The following is an entry in ClinVar:

ClinVar aggregate classification (germline): Uncertain significance (1 of 4 stars; one submission).

Submission:

GeneDx
Classification: Uncertain significance. Last evaluated: 2025-03-02. Review status: criteria provided, single submitter. Criteria: GeneDx Variant Classification Process June 2021. Collection method: clinical testing. Allele origin: germline. Affected: yes.
Comment: Not observed at significant frequency in large population cohorts (gnomAD); In silico analysis supports that this missense variant has a deleterious effect on protein structure/function; Has not been previously published as pathogenic or benign to our knowledge

NM_001145809.2(MYH14):c.1471G>A (p.Glu491Lys)

Gene: MYH14 (myosin heavy chain 14; plus strand). Cytogenetic location: 19q13.33.
Variant type: single nucleotide variant.
Coding change: c.1471G>A on transcript NM_001145809.2 (MANE Select); coding-DNA position 1471, G replaced by A.
Protein change: p.Glu491Lys; replaces glutamic acid 491 with lysine.
Molecular consequence: missense variant.
Genome position (GRCh38, 1-based): chr19:50,249,128, G>A. VCF-style: chr19-50249128-G-A. GRCh37 (hg19) VCF-style: chr19-50752385-G-A.
Other names: c.1471G>A, p.Glu491Lys (NM_001077186.2); c.1447G>A, p.Glu483Lys (NM_024729.4); short protein forms E483K, E491K.
Identifiers: ClinVar variation 4082594 (VCV004082594.1).